The following is an entry in ClinVar:

ClinVar aggregate classification (germline): Benign/Likely benign. Review status: criteria provided, multiple submitters, no conflicts (2 of 4 stars). 3 submissions from 3 submitters: Benign (1); Likely benign (2). Last evaluated 2026-08-01.

Conditions:
Duchenne muscular dystrophy (DMD). Also called: Duchenne Muscular Dystrophy (DMD); MUSCULAR DYSTROPHY, PSEUDOHYPERTROPHIC PROGRESSIVE, DUCHENNE TYPE. Identifiers: Orphanet 98896, MedGen C0013264, MONDO:0010679, OMIM 310200.

Allele frequency attached by ClinVar (database versions not stated): ExAC 0.00001; gnomAD 0.00001 and 0.00002; gnomAD exomes 0.00001 and 0.00003; TOPMed 0.00003.
gnomAD v4.1: 8 of 1,209,968 alleles (0.00066%); highest among the groups gnomAD compares: Admixed American, 0.015%; no homozygotes.

Submissions (3):

CeGaT Center for Human Genetics Tuebingen
Classification: Likely benign. Last evaluated: 2026-08-01. Review status: criteria provided, single submitter. Criteria: CeGaT Center For Human Genetics Tuebingen Variant Classification Criteria Version 2. Collection method: clinical testing. Allele origin: germline. Affected: yes. Observed: 1 variant allele.
Comment: DMD: BP4, BS2

Labcorp Genetics (formerly Invitae), Labcorp
Classification: Benign for Duchenne muscular dystrophy. Last evaluated: 2025-03-20. Review status: criteria provided, single submitter. Criteria: Invitae Variant Classification Sherloc (09022015). Collection method: clinical testing. Allele origin: germline.

Laboratory for Molecular Medicine, Mass General Brigham Personalized Medicine
Classification: Likely benign. Last evaluated: 2018-03-15. Review status: criteria provided, single submitter. Criteria: LMM Criteria. Collection method: clinical testing. Allele origin: germline. Observed: 1 variant allele.
Comment: p.Glu659Lys in exon 16 of DMD: This variant is classified as likely benign becau se it has been identified in the 0.015% (4/26563) of Latino chromosomes by the G enome Aggregation Database (gnomAD; dbSNP rs74 8567438). Each of these alleles was identified in the hemizygous state. In addit ion, almost all reported pathogenic variants in DMD are loss-of-function variant s. ACMG/AMP Criteria applied: BS1_Supporting; BP1; PP3.

NM_004006.3(DMD):c.1975G>A (p.Glu659Lys)

Gene: DMD (dystrophin; minus strand). Cytogenetic location: Xp21.1.
Variant type: single nucleotide variant.
Coding change: c.1975G>A on transcript NM_004006.3 (MANE Select); coding-DNA position 1975, G replaced by A.
Protein change: p.Glu659Lys; replaces glutamic acid 659 with lysine.
Molecular consequence: missense variant.
Genome position (GRCh38, 1-based): chrX:32,565,719, C>T on the plus strand (G>A on the coding strand, the complement: DMD is on the minus strand). VCF-style: chrX-32565719-C-T. GRCh37 (hg19) VCF-style: chrX-32583836-C-T.
Other names: c.1951G>A, p.Glu651Lys (NM_000109.4); c.1963G>A, p.Glu655Lys (NM_004009.3); c.1606G>A, p.Glu536Lys (NM_004010.3); short protein forms E659K, E536K, E655K, E651K.
Identifiers: ClinVar variation 667105 (VCV000667105.14), dbSNP rs748567438, ClinGen allele CA10379677.
Genomic context (GRCh38, chrX:32,565,719, plus strand): 5'-AATCTCTGAGATAGTCTGTAGCATGATAATTGGTATCACTAACCTGTGCTGTACTCTTTT[C>T]AAGTTTTTGGACTAAATTATCCCAACACCGGGCAAAGTTATCCAGCCATGCTTCCGTCTT-3'
Protein context (NP_003997.2, residues 649-669): RCWDNLVQKL[Glu659Lys]KSTAQISQAV